The following is an entry in ClinVar:

ClinVar aggregate classification (germline): Uncertain significance (1 of 4 stars; one submission).

Conditions:
Hereditary cancer-predisposing syndrome. Also called: Neoplastic Syndromes, Hereditary; Tumor predisposition; Hereditary Cancer Syndrome; Hereditary neoplastic syndrome. Identifiers: Orphanet 140162, MedGen C0027672, MeSH D009386, MONDO:0015356.

gnomAD v4.1: 1 of 1,613,636 alleles (0.000062%); highest among the groups gnomAD compares: Non-Finnish European, 0.000085%; no homozygotes.

Submission:

Ambry Genetics
Classification: Uncertain significance for Hereditary cancer-predisposing syndrome. Last evaluated: 2014-02-20. Review status: criteria provided, single submitter. Criteria: Ambry Autosomal Dominant and X-Linked criteria (10/2015). Collection method: clinical testing. Allele origin: germline. Observed: 1 variant allele.
Comment: The p.N30S variant (also known as c.89A>G), located in coding exon 2 of the NBN gene, results from an A to G substitution at nucleotide position 89. The asparagine at codon 30 is replaced by serine, an amino acid with highly similar properties. This variant was not reported in population based cohorts in the following databases: Database of Single Nucleotide Polymorphisms (dbSNP), NHLBI Exome Sequencing Project (ESP), and 1000 Genomes Project.To date, this alteration has been detected with an allele frequency of approximately 0.01% (greater than 9500 alleles tested) in our clinical cohort (includes this individual). Based on protein sequence alignment, this amino acid position is highly conserved in available vertebrate species. In addition, this alteration is predicted to be tolerated by in silico analysis. Since supporting evidence is limited at this time, the clinical significance of p.N30S remains unclear.

NM_002485.5(NBN):c.89A>G (p.Asn30Ser)

Gene: NBN (nibrin; minus strand). Cytogenetic location: 8q21.3.
Variant type: single nucleotide variant.
Coding change: c.89A>G on transcript NM_002485.5 (MANE Select); coding-DNA position 89, A replaced by G.
Protein change: p.Asn30Ser; replaces asparagine 30 with serine.
Molecular consequence: missense variant. On other transcripts: 5 prime UTR variant (1).
Genome position (GRCh38, 1-based): chr8:89,982,804, T>C on the plus strand (A>G on the coding strand, the complement: NBN is on the minus strand). VCF-style: chr8-89982804-T-C. GRCh37 (hg19) VCF-style: chr8-90995032-T-C.
Other names: c.-208A>G (NM_001024688.3); short protein forms N30S.
Identifiers: ClinVar variation 141039 (VCV000141039.3), dbSNP rs587781450, ClinGen allele CA164297.
Genomic context (GRCh38, chr8:89,982,804, plus strand): 5'-GCAGTTAACACAGCATGATTTCGGCTGATCGACTGATCATTTTCAATCAGAATGGCACAG[T>C]TTTTCCTTCCAACAACGTACTCAACGCCAGTCAAAAGTCTGTATGGTTCTCCTGAGATAA-3'
Protein context (NP_002476.2, residues 20-40): TGVEYVVGRK[Asn30Ser]CAILIENDQS